The following is an entry in ClinVar:

NM_032444.4(SLX4):c.718A>G (p.Asn240Asp)

Gene: SLX4 (SLX4 structure-specific endonuclease subunit; minus strand). Cytogenetic location: 16p13.3.
Variant type: single nucleotide variant.
Coding change: c.718A>G on transcript NM_032444.4 (MANE Select); coding-DNA position 718, A replaced by G.
Protein change: p.Asn240Asp; replaces asparagine 240 with aspartic acid.
Molecular consequence: missense variant.
Genome position (GRCh38, 1-based): chr16:3,606,516, T>C on the plus strand (A>G on the coding strand, the complement: SLX4 is on the minus strand). VCF-style: chr16-3606516-T-C. GRCh37 (hg19) VCF-style: chr16-3656517-T-C.
Other names: c.718A>G (LRG_503t1); short protein forms N240D.
Identifiers: ClinVar variation 376971 (VCV000376971.30), dbSNP rs114744903, ClinGen allele CA7866775.
Genomic context (GRCh38, chr16:3,606,516, plus strand): 5'-GAAACACACTCATCATACCATTCCCCGCCATCATCTCCTCTTGAGGATCCTTTGGGACAT[T>C]TTCTTCCCGCGCAGCCTCGAGGGAGCACTCTTCTGAAGCGTGTCTCAAACGCTCGGGGTC-3'
Protein context (NP_115820.2, residues 230-250): ECSLEAAREE[Asn240Asp]VPKDPQEEMM

ClinVar aggregate classification (germline): Benign/Likely benign. Review status: criteria provided, multiple submitters, no conflicts (2 of 4 stars). 9 submissions from 9 submitters: Benign (3); Likely benign (6). Last evaluated 2026-03-01.

Conditions:
Fanconi anemia (FA). Also called: Fanconi's anemia. Identifiers: Orphanet 84, MedGen C0015625, MeSH D005199, MONDO:0019391.
Fanconi anemia complementation group P. Also called: SLX4-Related Fanconi Anemia. Identifiers: Orphanet 84, MedGen C3469542, MONDO:0013499, OMIM 613951.

Allele frequency attached by ClinVar (database versions not stated): gnomAD exomes 0.00118; ExAC 0.00151; gnomAD 0.00441 and 0.00474; 1000 Genomes Project 30x 0.00453; 1000 Genomes Project 0.00459; TOPMed 0.00513; ESP Exome Variant Server 0.00539.
gnomAD v4.1: 1,250 of 1,614,182 alleles (0.077%); highest among the groups gnomAD compares: African/African-American, 1.5%; 7 homozygotes.

Submissions (9):

CeGaT Center for Human Genetics Tuebingen
Classification: Likely benign. Last evaluated: 2026-03-01. Review status: criteria provided, single submitter. Criteria: CeGaT Center For Human Genetics Tuebingen Variant Classification Criteria Version 2. Collection method: clinical testing. Allele origin: germline. Affected: yes. Observed: 4 variant alleles.
Comment: SLX4: BP4, BS1

Labcorp Genetics (formerly Invitae), Labcorp
Classification: Benign for Fanconi anemia. Last evaluated: 2026-02-01. Review status: criteria provided, single submitter. Criteria: Invitae Variant Classification Sherloc (09022015). Collection method: clinical testing. Allele origin: germline.

Blueprint Genetics
Classification: Likely benign. Last evaluated: 2024-09-18. Review status: criteria provided, single submitter. Criteria: ACMG Guidelines, 2015. Collection method: clinical testing. Allele origin: germline.

ARUP Laboratories, Molecular Genetics and Genomics, ARUP Laboratories
Classification: Likely benign for Fanconi anemia complementation group P. Last evaluated: 2024-02-05. Review status: criteria provided, single submitter. Criteria: ARUP Molecular Germline Variant Investigation Process 2024. Collection method: clinical testing. Allele origin: germline.

KCCC/NGS Laboratory, Kuwait Cancer Control Center
Classification: Benign for Fanconi anemia complementation group P. Last evaluated: 2023-07-07. Review status: criteria provided, single submitter. Criteria: ACMG Guidelines, 2015. Collection method: clinical testing. Allele origin: germline. Affected: yes.

Genetic Services Laboratory, University of Chicago
Classification: Benign. Last evaluated: 2021-04-21. Review status: criteria provided, single submitter. Criteria: ACMG Guidelines, 2015. Collection method: clinical testing. Allele origin: germline. Affected: no.

GeneDx
Classification: Likely benign. Last evaluated: 2019-06-15. Review status: criteria provided, single submitter. Criteria: GeneDx Variant Classification Process June 2021. Collection method: clinical testing. Allele origin: germline. Affected: yes.

Center for Pediatric Genomic Medicine, Children's Mercy Hospital and Clinics
Classification: Likely benign. Last evaluated: 2017-01-05. Review status: criteria provided, single submitter. Criteria: ACMG Guidelines, 2015. Collection method: clinical testing. Allele origin: germline.
ClinVar note: Converted during submission from Likely Benign to Likely benign.

Breakthrough Genomics
Classification: Likely benign. Review status: criteria provided, single submitter. Criteria: ACMG Guidelines, 2015. Collection method: not provided. Allele origin: germline. Inheritance: Autosomal recessive inheritance. Affected: yes.